The following is an entry in ClinVar:

NM_006031.6(PCNT):c.6914C>T (p.Thr2305Met)

Gene: PCNT (pericentrin; plus strand). Cytogenetic location: 21q22.3.
Variant type: single nucleotide variant.
Coding change: c.6914C>T on transcript NM_006031.6 (MANE Select); coding-DNA position 6914, C replaced by T.
Protein change: p.Thr2305Met; replaces threonine 2305 with methionine.
Molecular consequence: missense variant.
Genome position (GRCh38, 1-based): chr21:46,416,832, C>T. VCF-style: chr21-46416832-C-T. GRCh37 (hg19) VCF-style: chr21-47836746-C-T.
Other names: c.6560C>T, p.Thr2187Met (NM_001315529.2); short protein forms T2305M, T2187M.
Identifiers: ClinVar variation 340523 (VCV000340523.12), dbSNP rs770226991, ClinGen allele CA10653740.
Genomic context (GRCh38, chr21:46,416,832, plus strand): 5'-CAGCGCTGGCACTGCAGTGGGCCGAGTCTCCGCCGGCTGACGACCACCATGTGCAGAGGA[C>T]GGCTGTGGTAGGTGCCTGCTCTGCTCCCAGGCCTGCTGTTCCCGTGGGAATGTGGTCTGC-3'
Protein context (NP_006022.3, residues 2295-2315): PPADDHHVQR[Thr2305Met]AVEKDVEDFI

ClinVar aggregate classification (germline): Uncertain significance. Review status: criteria provided, multiple submitters, no conflicts (2 of 4 stars). 5 submissions from 5 submitters: Uncertain significance (5). Last evaluated 2026-04-13.

Conditions:
PCNT-related disorder. Also called: PCNT-related condition.
Microcephalic osteodysplastic primordial dwarfism type II (MOPD2). Also called: OSTEODYSPLASTIC PRIMORDIAL DWARFISM, TYPE II; Microcephalic osteodysplastic primordial dwarfism with tooth abnormalities; MOPD II. Identifiers: Orphanet 2637, MedGen C0432246, MONDO:0008872, OMIM 210720.

Allele frequency attached by ClinVar (database versions not stated): TOPMed 0.00005.
gnomAD v4.1: 138 of 1,597,658 alleles (0.0086%); highest among the groups gnomAD compares: Non-Finnish European, 0.01%; 1 homozygote.

Submissions (5):

PreventionGenetics, part of Exact Sciences
Classification: Uncertain significance for PCNT-related condition. Last evaluated: 2026-04-13. Review status: criteria provided, single submitter. Criteria: ACMG Guidelines, 2015. Collection method: clinical testing. Allele origin: germline.
Comment: The PCNT c.6914C>T variant is predicted to result in the amino acid substitution p.Thr2305Met. To our knowledge, this variant has not been reported in the literature. This variant is reported in 0.0044% of alleles in individuals of African descent in gnomAD. At this time, the clinical significance of this variant is uncertain due to the absence of conclusive functional and genetic evidence.

Labcorp Genetics (formerly Invitae), Labcorp
Classification: Uncertain significance. Last evaluated: 2021-08-17. Review status: criteria provided, single submitter. Criteria: Invitae Variant Classification Sherloc (09022015). Collection method: clinical testing. Allele origin: germline.
Comment: This sequence change replaces threonine with methionine at codon 2305 of the PCNT protein (p.Thr2305Met). The threonine residue is moderately conserved and there is a moderate physicochemical difference between threonine and methionine. This variant is not present in population databases (ExAC no frequency). This variant has not been reported in the literature in individuals affected with PCNT-related conditions. ClinVar contains an entry for this variant (Variation ID: 340523). Algorithms developed to predict the effect of missense changes on protein structure and function output the following: SIFT: "Tolerated"; PolyPhen-2: "Benign"; Align-GVGD: "Class C0". The methionine amino acid residue is found in multiple mammalian species, which suggests that this missense change does not adversely affect protein function. In summary, the available evidence is currently insufficient to determine the role of this variant in disease. Therefore, it has been classified as a Variant of Uncertain Significance.

Revvity Omics, Revvity
Classification: Uncertain significance for Microcephalic osteodysplastic primordial dwarfism type II. Last evaluated: 2020-12-09. Review status: criteria provided, single submitter. Criteria: ACMG Guidelines, 2015. Collection method: clinical testing. Allele origin: germline.

Illumina Laboratory Services, Illumina
Classification: Uncertain significance for Microcephalic osteodysplastic primordial dwarfism type II. Last evaluated: 2018-01-13. Review status: criteria provided, single submitter. Criteria: ICSL Variant Classification Criteria 13 December 2019. Collection method: clinical testing. Allele origin: germline.

Breakthrough Genomics
Classification: Uncertain significance. Review status: criteria provided, single submitter. Criteria: ACMG Guidelines, 2015. Collection method: not provided. Allele origin: germline. Inheritance: Autosomal dominant inheritance. Affected: yes.